The following is an entry in ClinVar:

NM_004656.4(BAP1):c.938C>G (p.Ala313Gly)

Gene: BAP1 (BRCA1 associated deubiquitinase 1; minus strand). Cytogenetic location: 3p21.1.
Variant type: single nucleotide variant.
Coding change: c.938C>G on transcript NM_004656.4 (MANE Select); coding-DNA position 938, C replaced by G.
Protein change: p.Ala313Gly; replaces alanine 313 with glycine.
Molecular consequence: missense variant.
Genome position (GRCh38, 1-based): chr3:52,405,288, G>C on the plus strand (C>G on the coding strand, the complement: BAP1 is on the minus strand). VCF-style: chr3-52405288-G-C. GRCh37 (hg19) VCF-style: chr3-52439304-G-C.
Other names: c.884C>G, p.Ala295Gly (NM_001410772.1); short protein forms A295G, A313G.
Identifiers: ClinVar variation 4740193 (VCV004740193.1).

ClinVar aggregate classification (germline): Uncertain significance (1 of 4 stars; one submission).

Conditions:
BAP1-related tumor predisposition syndrome (TPDS1). Also called: BAP1 tumor predisposition syndrome; TUMOR PREDISPOSITION SYNDROME 1; Tumor susceptibility linked to germline BAP1 mutations; COMMON Syndrome. Identifiers: Orphanet 289539, MedGen C3280492, MONDO:0013692, OMIM 614327.

gnomAD v4.1: 1 of 1,613,612 alleles (0.000062%); highest among the groups gnomAD compares: South Asian, 0.0011%; no homozygotes.

Submission:

Labcorp Genetics (formerly Invitae), Labcorp
Classification: Uncertain significance for BAP1-related tumor predisposition syndrome. Last evaluated: 2025-08-06. Review status: criteria provided, single submitter. Criteria: Invitae Variant Classification Sherloc (09022015). Collection method: clinical testing. Allele origin: germline.
Comment: This sequence change replaces alanine, which is neutral and non-polar, with glycine, which is neutral and non-polar, at codon 313 of the BAP1 protein (p.Ala313Gly). This variant is not present in population databases (gnomAD no frequency). This variant has not been reported in the literature in individuals affected with BAP1-related conditions. Invitae Evidence Modeling of protein sequence and biophysical properties (such as structural, functional, and spatial information, amino acid conservation, physicochemical variation, residue mobility, and thermodynamic stability) indicates that this missense variant is not expected to disrupt BAP1 protein function with a negative predictive value of 80%. In summary, the available evidence is currently insufficient to determine the role of this variant in disease. Therefore, it has been classified as a Variant of Uncertain Significance.